The following is an entry in ClinVar:

NM_001080467.3(MYO5B):c.2123G>A (p.Arg708Gln)

Gene: MYO5B (myosin VB; minus strand). Cytogenetic location: 18q21.1.
Variant type: single nucleotide variant.
Coding change: c.2123G>A on transcript NM_001080467.3 (MANE Select); coding-DNA position 2123, G replaced by A.
Protein change: p.Arg708Gln; replaces arginine 708 with glutamine.
Molecular consequence: missense variant.
Genome position (GRCh38, 1-based): chr18:49,912,141, C>T on the plus strand (G>A on the coding strand, the complement: MYO5B is on the minus strand). VCF-style: chr18-49912141-C-T. GRCh37 (hg19) VCF-style: chr18-47438511-C-T.
Other names: short protein forms R708Q.
Identifiers: ClinVar variation 720708 (VCV000720708.34), dbSNP rs201670299, ClinGen allele CA8961200.

ClinVar aggregate classification (germline): Conflicting classifications of pathogenicity. Review status: criteria provided, conflicting classifications (1 of 4 stars). 5 submissions from 5 submitters: Uncertain significance (3); Likely benign (1). 1 of the submissions does not count toward it. Last evaluated 2026-02-03.

Conditions:
Congenital microvillous atrophy (DIAR2). Also called: CONGENITAL FAMILIAL PROTRACTED DIARRHEA WITH ENTEROCYTE BRUSH-BORDER ABNORMALITIES; DAVIDSON DISEASE; MICROVILLUS ATROPHY, CONGENITAL; Diarrhea 2 with microvillus atrophy, with or without cholestasis; Microvillus inclusion disease. Identifiers: Orphanet 2290, MedGen C0341306, MONDO:0009635, OMIM 251850.
MYO5B-related disorder. Also called: MYO5B-related condition.

Allele frequency attached by ClinVar (database versions not stated): 1000 Genomes Project 0.00040; ESP Exome Variant Server 0.00041; 1000 Genomes Project 30x 0.00047; TOPMed 0.00062; ExAC 0.00084; gnomAD 0.00089 and 0.00091; gnomAD exomes 0.00094.
gnomAD v4.1: 1,299 of 1,613,952 alleles (0.08%); highest among the groups gnomAD compares: South Asian, 0.078%; 1 homozygote.

Submissions (13):

Labcorp Genetics (formerly Invitae), Labcorp
Classification: Likely benign. Last evaluated: 2026-02-03. Review status: criteria provided, single submitter. Criteria: Invitae Variant Classification Sherloc (09022015). Collection method: clinical testing. Allele origin: germline.

Blueprint Genetics
Classification: Uncertain significance. Last evaluated: 2024-11-19. Review status: criteria provided, single submitter. Criteria: ACMG Guidelines, 2015. Collection method: clinical testing. Allele origin: germline.

CeGaT Center for Human Genetics Tuebingen
Classification: Uncertain significance. Last evaluated: 2024-07-01. Review status: criteria provided, single submitter. Criteria: CeGaT Center For Human Genetics Tuebingen Variant Classification Criteria Version 2. Collection method: clinical testing. Allele origin: germline. Affected: yes. Observed: 1 variant allele.

Illumina Laboratory Services, Illumina
Classification: Uncertain significance for Congenital microvillous atrophy. Last evaluated: 2018-01-13. Review status: criteria provided, single submitter. Criteria: ICSL Variant Classification Criteria 13 December 2019. Collection method: clinical testing. Allele origin: germline.

PreventionGenetics, part of Exact Sciences
Classification: Likely benign for MYO5B-related condition. Last evaluated: 2022-09-02. Review status: no assertion criteria provided. Collection method: clinical testing. Allele origin: germline. Not counted in ClinVar's aggregate classification.
Comment: This variant is classified as likely benign based on ACMG/AMP sequence variant interpretation guidelines (Richards et al. 2015 PMID: 25741868, with internal and published modifications).

Dr. Peter K. Rogan Lab, Western University
No classification provided (evidence only). Condition: Malignant tumor of urinary bladder. Review status: no classification provided. Collection method: in vitro. Allele origin: not applicable. Functional consequence: retained intron. Not counted in ClinVar's aggregate classification.

Dr. Peter K. Rogan Lab, Western University
No classification provided (evidence only). Condition: Melanoma. Review status: no classification provided. Collection method: in vitro. Allele origin: not applicable. Functional consequence: retained intron. Not counted in ClinVar's aggregate classification.

Dr. Peter K. Rogan Lab, Western University
No classification provided (evidence only). Condition: Familial cancer of breast. Review status: no classification provided. Collection method: in vitro. Allele origin: not applicable. Functional consequence: retained intron. Not counted in ClinVar's aggregate classification.

Dr. Peter K. Rogan Lab, Western University
No classification provided (evidence only). Condition: Colorectal cancer. Review status: no classification provided. Collection method: in vitro. Allele origin: not applicable. Functional consequence: retained intron. Not counted in ClinVar's aggregate classification.

Dr. Peter K. Rogan Lab, Western University
No classification provided (evidence only). Condition: Uterine corpus endometrial carcinoma. Review status: no classification provided. Collection method: in vitro. Allele origin: not applicable. Functional consequence: retained intron. Not counted in ClinVar's aggregate classification.

Dr. Peter K. Rogan Lab, Western University
No classification provided (evidence only). Condition: Cholangiocarcinoma. Review status: no classification provided. Collection method: in vitro. Allele origin: not applicable. Functional consequence: retained intron. Not counted in ClinVar's aggregate classification.

Dr. Peter K. Rogan Lab, Western University
No classification provided (evidence only). Condition: Ovarian serous cystadenocarcinoma. Review status: no classification provided. Collection method: in vitro. Allele origin: not applicable. Functional consequence: retained intron. Not counted in ClinVar's aggregate classification.

Dr. Peter K. Rogan Lab, Western University
No classification provided (evidence only). Condition: Ovarian serous cystadenocarcinoma. Review status: no classification provided. Collection method: in vitro. Allele origin: not applicable. Functional consequence: retained intron. Not counted in ClinVar's aggregate classification.